The following is an entry in ClinVar:

NM_017617.5(NOTCH1):c.6502T>C (p.Cys2168Arg)

Gene: NOTCH1 (notch receptor 1; minus strand). Cytogenetic location: 9q34.3.
Variant type: single nucleotide variant.
Coding change: c.6502T>C on transcript NM_017617.5 (MANE Select); coding-DNA position 6502, T replaced by C.
Protein change: p.Cys2168Arg; replaces cysteine 2168 with arginine.
Molecular consequence: missense variant.
Genome position (GRCh38, 1-based): chr9:136,497,237, A>G on the plus strand (T>C on the coding strand, the complement: NOTCH1 is on the minus strand). VCF-style: chr9-136497237-A-G. GRCh37 (hg19) VCF-style: chr9-139391689-A-G.
Other names: p.Cys2168Arg; short protein forms C2168R.
Identifiers: ClinVar variation 3635967 (VCV003635967.4).

ClinVar aggregate classification (germline): Uncertain significance. Review status: criteria provided, multiple submitters, no conflicts (2 of 4 stars). 3 submissions from 3 submitters: Uncertain significance (3). Last evaluated 2025-05-12.

Conditions:
Adams-Oliver syndrome 5 (AOS5). Identifiers: Orphanet 974, MedGen C4014970, MONDO:0014459, OMIM 616028.

gnomAD v4.1: 1 of 1,612,478 alleles (0.000062%); highest among the groups gnomAD compares: Non-Finnish European, 0.000085%; no homozygotes.

Submissions (3):

Mayo Clinic Laboratories, Mayo Clinic
Classification: Uncertain significance. Last evaluated: 2025-05-12. Review status: criteria provided, single submitter. Criteria: ACMG Guidelines, 2015. Collection method: clinical testing. Allele origin: germline. Observed: 1 variant allele.
Comment: PM2_supporting

Labcorp Genetics (formerly Invitae), Labcorp
Classification: Uncertain significance for Adams-Oliver syndrome 5. Last evaluated: 2024-04-17. Review status: criteria provided, single submitter. Criteria: Invitae Variant Classification Sherloc (09022015). Collection method: clinical testing. Allele origin: germline.
Comment: This sequence change replaces cysteine, which is neutral and slightly polar, with arginine, which is basic and polar, at codon 2168 of the NOTCH1 protein (p.Cys2168Arg). This variant is not present in population databases (gnomAD no frequency). This variant has not been reported in the literature in individuals affected with NOTCH1-related conditions. Advanced modeling of protein sequence and biophysical properties (such as structural, functional, and spatial information, amino acid conservation, physicochemical variation, residue mobility, and thermodynamic stability) performed at Invitae indicates that this missense variant is not expected to disrupt NOTCH1 protein function with a negative predictive value of 95%. In summary, the available evidence is currently insufficient to determine the role of this variant in disease. Therefore, it has been classified as a Variant of Uncertain Significance.

Blueprint Genetics
Classification: Uncertain significance. Last evaluated: 2021-11-04. Review status: criteria provided, single submitter. Criteria: ACMG Guidelines, 2015. Collection method: clinical testing. Allele origin: germline.